The following is an entry in ClinVar:

ClinVar aggregate classification (germline): Uncertain significance (1 of 4 stars; one submission).

Conditions:
Arginine:glycine amidinotransferase deficiency (CCDS3). Also called: Creatine deficiency syndrome due to AGAT deficiency; GATM deficiency; AGAT deficiency; Cerebral creatine deficiency syndrome 3; L-Arginine:Glycine Amidinotransferase (AGAT) Deficiency; L-Arginine:Glycine Amidinotransferase Deficiency. Identifiers: Orphanet 35704, MedGen C2675179, MONDO:0012996, OMIM 612718.

Submission:

Labcorp Genetics (formerly Invitae), Labcorp
Classification: Uncertain significance for Arginine:glycine amidinotransferase deficiency. Last evaluated: 2021-09-01. Review status: criteria provided, single submitter. Criteria: Invitae Variant Classification Sherloc (09022015). Collection method: clinical testing. Allele origin: germline.
Comment: This sequence change replaces isoleucine with threonine at codon 293 of the GATM protein (p.Ile293Thr). The isoleucine residue is highly conserved and there is a moderate physicochemical difference between isoleucine and threonine. This variant is not present in population databases (ExAC no frequency). This variant has not been reported in the literature in individuals affected with GATM-related conditions. Algorithms developed to predict the effect of missense changes on protein structure and function are either unavailable or do not agree on the potential impact of this missense change (SIFT: "Deleterious"; PolyPhen-2: "Benign"; Align-GVGD: "Class C0"). In summary, the available evidence is currently insufficient to determine the role of this variant in disease. Therefore, it has been classified as a Variant of Uncertain Significance.

NM_001482.3(GATM):c.878T>C (p.Ile293Thr)

Gene: GATM (glycine amidinotransferase; minus strand). Cytogenetic location: 15q21.1.
Variant type: single nucleotide variant.
Coding change: c.878T>C on transcript NM_001482.3 (MANE Select); coding-DNA position 878, T replaced by C.
Protein change: p.Ile293Thr; replaces isoleucine 293 with threonine.
Molecular consequence: missense variant.
Genome position (GRCh38, 1-based): chr15:45,366,146, A>G on the plus strand (T>C on the coding strand, the complement: GATM is on the minus strand). VCF-style: chr15-45366146-A-G. GRCh37 (hg19) VCF-style: chr15-45658344-A-G.
Other names: c.491T>C, p.Ile164Thr (NM_001321015.2); short protein forms I164T, I293T.
Identifiers: ClinVar variation 857361 (VCV000857361.7), dbSNP rs1595482625, ClinGen allele CA392257965.
Genomic context (GRCh38, chr15:45,366,146, plus strand): 5'-GGTCCAATGATGTTGAAGGTAGCATCAATATGCATGGGATTGGGATCTTTAAAGGAGATG[A>G]TATGCACTCTGTAGTCTGGAGCAAGATGCCTACGCATCCATTCAATGCCTAGGTAGTTTG-3'
Protein context (NP_001473.1, residues 283-303): RHLAPDYRVH[Ile293Thr]ISFKDPNPMH